The following is an entry in ClinVar:

NM_002894.3(RBBP8):c.808-11del

Gene: RBBP8 (RB binding protein 8, endonuclease; plus strand). Cytogenetic location: 18q11.2.
Variant type: Deletion.
Coding change: c.808-11del on transcript NM_002894.3 (MANE Select); 11 bases into the intron before coding-DNA position 808, one base deleted (T; older notation c.808-11delT).
Molecular consequence: intron variant.
Genome position (GRCh38, 1-based): chr18:22,990,926, T deleted; the last of 4 consecutive T bases (chr18:22,990,923-22,990,926); deleting any one gives the same sequence. VCF-style (leftmost placement, unchanged base first): chr18-22990922-AT-A. GRCh37 (hg19) VCF-style: chr18-20570885-AT-A.
Other names: c.808-11del (NM_203292.2, NM_203291.2).
Identifiers: ClinVar variation 1550614 (VCV001550614.9), dbSNP rs368252010, ClinGen allele CA8909945.

ClinVar aggregate classification (germline): Conflicting classifications of pathogenicity. Review status: criteria provided, conflicting classifications (1 of 4 stars). 2 submissions from 2 submitters: Uncertain significance (1); Benign (1). Last evaluated 2025-10-21.

Submissions (2):

Labcorp Genetics (formerly Invitae), Labcorp
Classification: Benign. Last evaluated: 2025-10-21. Review status: criteria provided, single submitter. Criteria: Invitae Variant Classification Sherloc (09022015). Collection method: clinical testing. Allele origin: germline.

GeneDx
Classification: Uncertain significance. Last evaluated: 2022-11-21. Review status: criteria provided, single submitter. Criteria: GeneDx Variant Classification Process June 2021. Collection method: clinical testing. Allele origin: germline. Affected: yes.
Comment: In silico analysis supports a deleterious effect on splicing; Has not been previously published as pathogenic or benign to our knowledge